The following is an entry in ClinVar:

ClinVar aggregate classification (germline): Conflicting classifications of pathogenicity. Review status: criteria provided, conflicting classifications (1 of 4 stars). 6 submissions from 6 submitters: Uncertain significance (2); Likely benign (4). Last evaluated 2026-06-01.

Conditions:
Long QT syndrome (LQTS). Identifiers: MedGen C0023976, MeSH D008133, MONDO:0002442. Disease mechanism: loss of function. Inheritance: Various modes of inheritance.
Cardiovascular phenotype. Identifiers: MedGen CN230736.
Long QT syndrome 11 (LQT11). Identifiers: Orphanet 101016, Orphanet 768, MedGen C2678483, MONDO:0012738, OMIM 611820.

Allele frequency attached by ClinVar (database versions not stated): gnomAD exomes 0.00012 and 0.00025; ExAC 0.00026; gnomAD 0.00034 and 0.00038; TOPMed 0.00044; ESP Exome Variant Server 0.00054; 1000 Genomes Project 0.00080; 1000 Genomes Project 30x 0.00094.
gnomAD v4.1: 226 of 1,612,130 alleles (0.014%); highest among the groups gnomAD compares: African/African-American, 0.097%; no homozygotes.

Submissions (6):

CeGaT Center for Human Genetics Tuebingen
Classification: Likely benign. Last evaluated: 2026-06-01. Review status: criteria provided, single submitter. Criteria: CeGaT Center For Human Genetics Tuebingen Variant Classification Criteria Version 2. Collection method: clinical testing. Allele origin: germline. Affected: yes. Observed: 1 variant allele.
Comment: AKAP9: BP4

Labcorp Genetics (formerly Invitae), Labcorp
Classification: Likely benign for Long QT syndrome. Last evaluated: 2026-01-27. Review status: criteria provided, single submitter. Criteria: Invitae Variant Classification Sherloc (09022015). Collection method: clinical testing. Allele origin: germline.

Women's Health and Genetics/Laboratory Corporation of America, LabCorp
Classification: Likely benign. Last evaluated: 2024-06-04. Review status: criteria provided, single submitter. Criteria: LabCorp Variant Classification Summary - May 2015. Collection method: clinical testing. Allele origin: germline.

Ambry Genetics
Classification: Uncertain significance for Cardiovascular phenotype. Last evaluated: 2021-12-13. Review status: criteria provided, single submitter. Criteria: Ambry Variant Classification Scheme 2023. Collection method: clinical testing. Allele origin: germline.

Fulgent Genetics
Classification: Likely benign for Long QT syndrome 11. Last evaluated: 2021-07-26. Review status: criteria provided, single submitter. Criteria: ACMG Guidelines, 2015. Collection method: clinical testing. Allele origin: unknown.

Revvity Omics, Revvity
Classification: Uncertain significance for Long QT syndrome 11. Last evaluated: 2019-10-30. Review status: criteria provided, single submitter. Criteria: ACMG Guidelines, 2015. Collection method: clinical testing. Allele origin: germline.

NM_005751.5(AKAP9):c.4163C>T (p.Ser1388Leu)

Gene: AKAP9 (A-kinase anchoring protein 9; plus strand). Cytogenetic location: 7q21.2.
Variant type: single nucleotide variant.
Coding change: c.4163C>T on transcript NM_005751.5 (MANE Select); coding-DNA position 4163, C replaced by T.
Protein change: p.Ser1388Leu; replaces serine 1388 with leucine.
Molecular consequence: missense variant.
Genome position (GRCh38, 1-based): chr7:92,029,909, C>T. VCF-style: chr7-92029909-C-T. GRCh37 (hg19) VCF-style: chr7-91659223-C-T.
Other names: c.4163C>T, p.Ser1388Leu (NM_147185.3); short protein forms S1388L.
Identifiers: ClinVar variation 457099 (VCV000457099.20), dbSNP rs143565222, ClinGen allele CA4336499.